The following is an entry in ClinVar:

ClinVar aggregate classification (germline): Benign/Likely benign. Review status: criteria provided, multiple submitters, no conflicts (2 of 4 stars). 3 submissions from 3 submitters: Benign (1); Likely benign (2). Last evaluated 2026-06-11.

Conditions:
ARCN1-related disorder. Also called: ARCN1-related condition.

Allele frequency attached by ClinVar (database versions not stated): gnomAD exomes 0.00018 and 0.00044; ExAC 0.00057; 1000 Genomes Project 0.00140; 1000 Genomes Project 30x 0.00156; gnomAD 0.00163 and 0.00181; TOPMed 0.00179; ESP Exome Variant Server 0.00223.
gnomAD v4.1: 517 of 1,613,876 alleles (0.032%); highest among the groups gnomAD compares: African/African-American, 0.65%; no homozygotes.

Submissions (3):

PreventionGenetics, part of Exact Sciences
Classification: Likely benign for ARCN1-related condition. Last evaluated: 2026-06-11. Review status: criteria provided, single submitter. Criteria: ACMG Guidelines, 2015. Collection method: clinical testing. Allele origin: germline.
Comment: This variant is classified as likely benign based on ACMG/AMP sequence variant interpretation guidelines (Richards et al. 2015 PMID: 25741868, with internal and published modifications).

Labcorp Genetics (formerly Invitae), Labcorp
Classification: Benign. Last evaluated: 2026-01-18. Review status: criteria provided, single submitter. Criteria: Invitae Variant Classification Sherloc (09022015). Collection method: clinical testing. Allele origin: germline.

Blueprint Genetics
Classification: Likely benign. Last evaluated: 2024-11-13. Review status: criteria provided, single submitter. Criteria: ACMG Guidelines, 2015. Collection method: clinical testing. Allele origin: germline.

NM_001655.5(ARCN1):c.984+3G>A

Gene: ARCN1 (archain 1 coat protein complex I subunit delta; plus strand). Cytogenetic location: 11q23.3.
Variant type: single nucleotide variant.
Coding change: c.984+3G>A on transcript NM_001655.5 (MANE Select); 3 bases into the intron after coding-DNA position 984, G replaced by A.
Molecular consequence: intron variant.
Genome position (GRCh38, 1-based): chr11:118,590,509, G>A. VCF-style: chr11-118590509-G-A. GRCh37 (hg19) VCF-style: chr11-118461224-G-A.
Other names: c.720+3G>A (NM_001142281.2).
Identifiers: ClinVar variation 726794 (VCV000726794.12), dbSNP rs148276430, ClinGen allele CA6306180.
Genomic context (GRCh38, chr11:118,590,509, plus strand): 5'-GTATGGCCGAATTCGTCTTCATGTGGAAAATGAAGATAAGAAAGGGGTGCAGCTACAGGT[G>A]TGTAGAAGCTTTTGATAGGGAGTATTAACACTTTGTCTACCTATTATAGTCTTTCTCAAC-3'